The following is an entry in ClinVar:

NM_001038603.3(MARVELD2):c.861T>G (p.Asn287Lys)

Gene: MARVELD2 (MARVEL domain containing 2; plus strand). Cytogenetic location: 5q13.2.
Variant type: single nucleotide variant.
Coding change: c.861T>G on transcript NM_001038603.3 (MANE Select); coding-DNA position 861, T replaced by G.
Protein change: p.Asn287Lys; replaces asparagine 287 with lysine.
Molecular consequence: missense variant.
Genome position (GRCh38, 1-based): chr5:69,420,246, T>G. VCF-style: chr5-69420246-T-G. GRCh37 (hg19) VCF-style: chr5-68716073-T-G.
Other names: c.861T>G, p.Asn287Lys (NM_001244734.2); short protein forms N287K.
Identifiers: ClinVar variation 4072556 (VCV004072556.1).
Genomic context (GRCh38, chr5:69,420,246, plus strand): 5'-CATTATTATTCTGGTTCTTGGCATGTCCATGTATTACCGGACCATTCTTCTGGACTCTAA[T>G]TGGTGGCCCCTAACTGAATTTGGAATTAACGTTGCCTTGTTTATTTTGTATATGGCCGCA-3'
Protein context (NP_001033692.2, residues 277-297): MYYRTILLDS[Asn287Lys]WWPLTEFGIN

ClinVar aggregate classification (germline): Uncertain significance (1 of 4 stars; one submission).

gnomAD v4.1: 14 of 1,614,084 alleles (0.00087%); highest among the groups gnomAD compares: Non-Finnish European, 0.001%; no homozygotes.

Submission:

GeneDx
Classification: Uncertain significance. Last evaluated: 2025-02-02. Review status: criteria provided, single submitter. Criteria: GeneDx Variant Classification Process June 2021. Collection method: clinical testing. Allele origin: germline. Affected: yes.
Comment: Not observed at significant frequency in large population cohorts (gnomAD); In silico analysis indicates that this missense variant does not alter protein structure/function; Has not been previously published as pathogenic or benign to our knowledge